The following is an entry in ClinVar:

ClinVar aggregate classification (germline): Conflicting classifications of pathogenicity. Review status: criteria provided, conflicting classifications (1 of 4 stars). 4 submissions from 4 submitters: Likely pathogenic (2); Uncertain significance (1). 1 of the submissions does not count toward it. Last evaluated 2025-04-02.

Conditions:
Developmental and epileptic encephalopathy, 75. Also called: EPILEPTIC ENCEPHALOPATHY, EARLY INFANTILE, 75. Identifiers: MedGen C5193099, MONDO:0032752, OMIM 618437.
Inborn genetic diseases. Identifiers: MedGen C0950123, MeSH D030342.

Allele frequency attached by ClinVar (database versions not stated): gnomAD exomes below 0.00001 and 0.00001; TOPMed 0.00001; gnomAD 0.00001.

Submissions (4):

GeneDx
Classification: Likely pathogenic. Last evaluated: 2025-04-02. Review status: criteria provided, single submitter. Criteria: GeneDx Variant Classification Process June 2021. Collection method: clinical testing. Allele origin: germline. Affected: yes.
Comment: Not observed at significant frequency in large population cohorts (gnomAD); In silico analysis supports that this missense variant has a deleterious effect on protein structure/function; This variant is associated with the following publications: (PMID: 25705216, 25629079)

SIB Swiss Institute of Bioinformatics
Classification: Uncertain significance for Developmental and epileptic encephalopathy, 75. Last evaluated: 2019-10-01. Review status: criteria provided, single submitter. Criteria: ACMG Guidelines, 2015. Collection method: curation. Allele origin: unknown.
Comment: This variant is interpreted as a variant of uncertain significance for Epileptic encephalopathy, early infantile, 75, autosomal recessive. The following ACMG Tag(s) were applied: PM2.

Ambry Genetics
Classification: Likely pathogenic for Inborn genetic diseases. Last evaluated: 2016-06-28. Review status: criteria provided, single submitter. Criteria: Ambry exome assertion method (8-5-2015). Collection method: clinical testing. Allele origin: germline. Affected: yes. Observed: 1 variant allele.

OMIM
Classification: Pathogenic for DEVELOPMENTAL AND EPILEPTIC ENCEPHALOPATHY 75. Last evaluated: 2015-01-01. Review status: no assertion criteria provided. Collection method: literature only. Allele origin: germline. Not counted in ClinVar's aggregate classification.

Literature cited by the submitters: PubMed 25629079 (cited by 3 submitters); PubMed 25705216 (cited by Ambry Genetics).

NM_152268.4(PARS2):c.836C>T (p.Ser279Leu)

Gene: PARS2 (prolyl-tRNA synthetase 2, mitochondrial; minus strand). Cytogenetic location: 1p32.3.
Variant type: single nucleotide variant.
Coding change: c.836C>T on transcript NM_152268.4 (MANE Select); coding-DNA position 836, C replaced by T.
Protein change: p.Ser279Leu; replaces serine 279 with leucine.
Molecular consequence: missense variant.
Genome position (GRCh38, 1-based): chr1:54,758,326, G>A on the plus strand (C>T on the coding strand, the complement: PARS2 is on the minus strand). VCF-style: chr1-54758326-G-A. GRCh37 (hg19) VCF-style: chr1-55223999-G-A.
Other names: short protein forms S279L.
Identifiers: ClinVar variation 183149 (VCV000183149.8), dbSNP rs730882153, ClinGen allele CA235489.